The following is an entry in ClinVar:

NM_001042492.3(NF1):c.1062+110T>C

Gene: NF1 (neurofibromin 1; plus strand). Cytogenetic location: 17q11.2.
Variant type: single nucleotide variant.
Coding change: c.1062+110T>C on transcript NM_001042492.3 (MANE Select); 110 bases into the intron after coding-DNA position 1062, T replaced by C.
Molecular consequence: intron variant.
Genome position (GRCh38, 1-based): chr17:31,200,705, T>C. VCF-style: chr17-31200705-T-C. GRCh37 (hg19) VCF-style: chr17-29527723-T-C.
Other names: c.1062+110T>C (NM_000267.4, NM_001128147.3).
Identifiers: ClinVar variation 3041293 (VCV003041293.2), dbSNP rs371815284, ClinGen allele CA289348872.

ClinVar aggregate classification (germline): Likely benign (0 of 4 stars; one submission).

Conditions:
NF1-related disorder. Also called: NF1-related condition. Identifiers: MedGen CN379171.

Allele frequency attached by ClinVar (database versions not stated): gnomAD exomes 0.00005; gnomAD 0.00007; TOPMed 0.00007; 1000 Genomes Project 30x 0.00031; 1000 Genomes Project 0.00040.
gnomAD v4.1: 63 of 1,257,176 alleles (0.005%); highest among the groups gnomAD compares: East Asian, 0.14%; no homozygotes.

Submission:

PreventionGenetics, part of Exact Sciences
Classification: Likely benign for NF1-related condition. Last evaluated: 2019-05-24. Review status: no assertion criteria provided. Collection method: clinical testing. Allele origin: germline.
Comment: This variant is classified as likely benign based on ACMG/AMP sequence variant interpretation guidelines (Richards et al. 2015 PMID: 25741868, with internal and published modifications).